The following continues an entry in ClinVar:

NM_002485.5(NBN):c.127C>T (p.Arg43Ter)

Gene: NBN. ClinVar aggregate classification (germline): Conflicting classifications of pathogenicity. Pathogenic (6); Likely pathogenic (10); Uncertain significance (1).

Submissions 13 to 19 of 19:

Victorian Clinical Genetics Services, Murdoch Childrens Research Institute
Classification: Pathogenic for Microcephaly, normal intelligence and immunodeficiency. Last evaluated: 2020-05-21. Review status: criteria provided, single submitter. Criteria: ACMG Guidelines, 2015. Collection method: clinical testing. Allele origin: germline.
Comment: A heterozygous nonsense variant was identified, NM_002485.4(NBN):c.127C>T in exon 2 of 16 of the NBN gene. (NB: This variant is non-coding in an alternative transcript). This nonsense variant is predicted to create a change of an arginine to a stop at amino acid position 43 of the protein; NP_002476.2(NBN):p.(Arg43*), resulting in the loss of normal protein function through nonsense-mediated decay (NMD). The variant is present in the gnomAD population database at a global population frequency of 0.003% (8 heterozygotes; 0 homozygotes) with a European (Finnish) sub-population frequency of 0.02%. The variant has been previously reported in patients with breast cancer (ClinVar, Tessitore, A. et al. (2003), LaDuca, H. et al. (2014), Young, E. et al. (2016), Thompson, E. et al. (2016), Tung, N. et al. (2016)). Other variants predicted to cause NMD have also been reported as pathogenic (ClinVar). Based on information available at the time of curation, this variant has been classified as PATHOGENIC. Legend: (P) - Pathogenic, (N) - Neutral, (B) - Benign

Genetic Services Laboratory, University of Chicago
Classification: Likely pathogenic. Last evaluated: 2019-12-03. Review status: criteria provided, single submitter. Criteria: ACMG Guidelines, 2015. Collection method: clinical testing. Allele origin: germline. Affected: yes.
Comment: DNA sequence analysis of the NBN gene demonstrated a sequence change, c.127C>T, which results in the creation of a premature stop codon at amino acid position 43, p.Arg43*. This sequence change is predicted to result in an abnormal transcript, which may be degraded, or may lead to the production of a truncated NBN protein with potentially abnormal function. This sequence change has been described in the gnomAD database with a population frequency of 0.018% in Finnish subpopulation (dbSNP rs200287925). This sequence change has previously been described in a patient with triple-negative breast cancer and a family history of lung cancer, exocrine pancreatic cancer and CNS tumor (PMID: 26976419). Additionally it has also been identified in two patients with personal and/or family history of breast cancer but limited clinical information was provided (PMID: 26786923, PMID: 29555771). Truncating variants in the NBN gene are known to be pathogenic. These collective evidences indicate that this sequence change is likely pathogenic.

Laboratory for Molecular Medicine, Mass General Brigham Personalized Medicine
Classification: Likely pathogenic for Microcephaly, normal intelligence and immunodeficiency. Last evaluated: 2018-04-18. Review status: criteria provided, single submitter. Criteria: LMM Criteria. Collection method: clinical testing. Allele origin: germline. Inheritance: Autosomal recessive inheritance. Observed: 1 variant allele.
Comment: The p.Arg43X variant in NBN has been not been reported in individuals with Nijme gen breakage syndrome. However, it has reported in 1 individual with hereditary cancer and two individuals with breast cancer (LaDuca 2014, Tung 2016, Thompson 2016) and has been reported in ClinVar (Variation ID: 142203). The variant has b een identified in 4/22288 Finnish chromosomes by the Genome Aggregation Database (gnomAD; dbSNP rs200287925). Although this v ariant has been seen in the general population, its frequency is low enough to b e consistent with a recessive carrier frequency. This nonsense variant leads to a premature termination codon at position 43 which is predicted to lead to a tru ncated or absent protein. Loss of function of the NBS gene is an established dis ease mechanism in Nijmegen breakage syndrome. In summary, although additional st udies are required to fully establish its clinical significance, the p.Arg43X va riant is likely pathogenic for Nijmegen breakage syndrome. in an autosomal reces sive manner based upon predicted impact to the protein and absence from controls ,. ACMG/AMP Criteria applied: PVS1; PM2.

Baylor Genetics
Classification: Likely pathogenic for Microcephaly, normal intelligence and immunodeficiency. Review status: criteria provided, single submitter. Criteria: ACMG Guidelines, 2015. Collection method: clinical testing. Allele origin: unknown.

Juno Genomics, Hangzhou Juno Genomics, Inc
Classification: Likely pathogenic for Aplastic anemia; Acute lymphoid leukemia; Microcephaly, normal intelligence and immunodeficiency. Review status: criteria provided, single submitter. Criteria: ACMG Guidelines, 2015. Collection method: clinical testing. Allele origin: germline.
Comment: Null variant in a gene where loss of function (LOF) is a known mechanism of disease.;Absent from controls (or at extremely low frequency if recessive) in Genome Aggregation Database.

Laboratory for Genotyping Development, RIKEN
Classification: Pathogenic for Gastric cancer. Last evaluated: 2021-07-01. Review status: no assertion criteria provided. Collection method: research. Allele origin: germline. Not counted in ClinVar's aggregate classification.

Counsyl
Classification: Likely pathogenic for Microcephaly, normal intelligence and immunodeficiency. Last evaluated: 2016-04-05. Review status: no assertion criteria provided. Collection method: clinical testing. Allele origin: unknown. Not counted in ClinVar's aggregate classification.

Literature cited by the submitters: PubMed 9590180 (cited by Labcorp Genetics (formerly Invitae), Labcorp and Sema4); PubMed 16415040 (cited by Labcorp Genetics (formerly Invitae), Labcorp and Sema4); PubMed 24763289 (cited by 4 submitters); PubMed 26976419 (cited by 5 submitters); PubMed 12433983 (cited by Ambry Genetics); PubMed 24894818 (cited by Ambry Genetics and Women's Health and Genetics/Laboratory Corporation of America, LabCorp); PubMed 26786923 (cited by 4 submitters); PubMed 26689913 (cited by Women's Health and Genetics/Laboratory Corporation of America, LabCorp and Sema4); PubMed 32318955 (cited by Sema4); PubMed 32427313 (cited by Sema4); PubMed 29625052 (cited by Sema4); PubMed 11279524 (cited by Sema4); PubMed 12708449 (cited by Sema4); PubMed 19105185 (cited by Sema4); PubMed 12508248 (cited by Victorian Clinical Genetics Services, Murdoch Childrens Research Institute); PubMed 26787654 (cited by Victorian Clinical Genetics Services, Murdoch Childrens Research Institute); PubMed 36988593 (cited by Laboratory for Genotyping Development, RIKEN).